The following is an entry in ClinVar:

NM_001330078.2(NRXN1):c.4472C>A (p.Ala1491Glu)

Gene: NRXN1 (neurexin 1; minus strand). Cytogenetic location: 2p16.3.
Variant type: single nucleotide variant.
Coding change: c.4472C>A on transcript NM_001330078.2 (MANE Select); coding-DNA position 4472, C replaced by A.
Protein change: p.Ala1491Glu; replaces alanine 1491 with glutamic acid.
Molecular consequence: missense variant.
Genome position (GRCh38, 1-based): chr2:49,921,996, G>T on the plus strand (C>A on the coding strand, the complement: NRXN1 is on the minus strand). VCF-style: chr2-49921996-G-T. GRCh37 (hg19) VCF-style: chr2-50149134-G-T.
Other names: c.4592C>A, p.Ala1531Glu (NM_001135659.3); c.377C>A, p.Ala126Glu (NM_001320156.4); c.368C>A, p.Ala123Glu (NM_001320157.4); c.4448C>A, p.Ala1483Glu (NM_001330077.2); c.4439C>A, p.Ala1480Glu (NM_001330082.2); c.4307C>A, p.Ala1436Glu (NM_001330083.2); c.4406C>A, p.Ala1469Glu (NM_001330084.2); c.4445C>A, p.Ala1482Glu (NM_001330085.2); and 12 more; short protein forms A126E, A1424E, A1444E, A1461E, A1491E, A423E, A426E, A1436E.
Identifiers: ClinVar variation 2704752 (VCV002704752.3), dbSNP rs148764264, ClinGen allele CA346818272.

ClinVar aggregate classification (germline): Uncertain significance (1 of 4 stars; one submission).

Conditions:
Pitt-Hopkins-like syndrome 2 (PTHSL2). Identifiers: Orphanet 221150, Orphanet 600663, MedGen C3280479, MONDO:0013690, OMIM 614325.

gnomAD v4.1: 1 of 1,614,032 alleles (0.000062%); highest among the groups gnomAD compares: South Asian, 0.0011%; no homozygotes.

Submission:

Labcorp Genetics (formerly Invitae), Labcorp
Classification: Uncertain significance for Pitt-Hopkins-like syndrome 2. Last evaluated: 2025-07-21. Review status: criteria provided, single submitter. Criteria: Invitae Variant Classification Sherloc (09022015). Collection method: clinical testing. Allele origin: germline.
Comment: This sequence change replaces alanine, which is neutral and non-polar, with glutamic acid, which is acidic and polar, at codon 1531 of the NRXN1 protein (p.Ala1531Glu). This variant is not present in population databases (gnomAD no frequency). This variant has not been reported in the literature in individuals affected with NRXN1-related conditions. ClinVar contains an entry for this variant (Variation ID: 2704752). Invitae Evidence Modeling of protein sequence and biophysical properties (such as structural, functional, and spatial information, amino acid conservation, physicochemical variation, residue mobility, and thermodynamic stability) indicates that this missense variant is not expected to disrupt NRXN1 protein function with a negative predictive value of 80%. In summary, the available evidence is currently insufficient to determine the role of this variant in disease. Therefore, it has been classified as a Variant of Uncertain Significance.